The following is an entry in ClinVar:

ClinVar aggregate classification (germline): Pathogenic (1 of 4 stars; one submission).

Conditions:
Myopathy, proximal, and ophthalmoplegia (CMYO6). Also called: INCLUSION BODY MYOPATHY 3, AUTOSOMAL DOMINANT; MYOPATHY WITH CONGENITAL JOINT CONTRACTURES, OPHTHALMOPLEGIA, AND RIMMED VACUOLES; CONGENITAL MYOPATHY 6 WITH OPHTHALMOPLEGIA. Identifiers: Orphanet 363677, Orphanet 79091, MedGen C1854106, MONDO:0011577, OMIM 605637.

Submission:

Labcorp Genetics (formerly Invitae), Labcorp
Classification: Pathogenic for Inclusion body myopathy 3. Last evaluated: 2019-09-30. Review status: criteria provided, single submitter. Criteria: Invitae Variant Classification Sherloc (09022015). Collection method: clinical testing. Allele origin: germline.
Comment: A gross deletion of the genomic region encompassing the full coding sequence of the MYH2 gene has been identified. The boundaries of this event are unknown as the deletion extends beyond the assayed region for this gene and therefore may encompass additional genes. This variant has not been reported in the literature in individuals with MYH2-related conditions. Loss-of-function variants in MYH2 are known to be pathogenic (PMID: 20418530, 23388406, 24193343). For these reasons, this variant has been classified as Pathogenic.

NC_000017.11:g.(?_9794928)_(10547930_?)del

Genes: GAS7 (growth arrest specific 7; minus strand), GLP2R (glucagon like peptide 2 receptor; plus strand), RCVRN (recoverin; minus strand), MYH2 (myosin heavy chain 2; minus strand), MYH8 (myosin heavy chain 8; minus strand) and 3 more. Cytogenetic location: 17p13.1.
Variant type: Deletion.
Identifiers: ClinVar variation 832118 (VCV000832118.1).